The following is an entry in ClinVar:

ClinVar aggregate classification (germline): Uncertain significance (1 of 4 stars; one submission).

Conditions:
Myofibrillar myopathy 3 (MFM3). Also called: Muscular dystrophy, proximal, type 1A; Autosomal dominant spheroid body myopathy. Identifiers: Orphanet 266, Orphanet 268129, MedGen C3714934, MONDO:0012215, OMIM 609200.

Submission:

Labcorp Genetics (formerly Invitae), Labcorp
Classification: Uncertain significance for Myofibrillar myopathy 3. Last evaluated: 2023-01-16. Review status: criteria provided, single submitter. Criteria: Invitae Variant Classification Sherloc (09022015). Collection method: clinical testing. Allele origin: germline.
Comment: This sequence change replaces leucine, which is neutral and non-polar, with phenylalanine, which is neutral and non-polar, at codon 466 of the MYOT protein (p.Leu466Phe). This variant is not present in population databases (gnomAD no frequency). This variant has not been reported in the literature in individuals affected with MYOT-related conditions. Algorithms developed to predict the effect of missense changes on protein structure and function are either unavailable or do not agree on the potential impact of this missense change (SIFT: "Deleterious"; PolyPhen-2: "Benign"; Align-GVGD: "Class C0"). In summary, the available evidence is currently insufficient to determine the role of this variant in disease. Therefore, it has been classified as a Variant of Uncertain Significance.

NM_006790.3(MYOT):c.1396C>T (p.Leu466Phe)

Genes: MYOT (myotilin; plus strand), PKD2L2-DT (PKD2L2 divergent transcript; minus strand). Cytogenetic location: 5q31.2.
Variant type: single nucleotide variant.
Coding change: c.1396C>T on transcript NM_006790.3 (MANE Select); coding-DNA position 1396, C replaced by T.
Protein change: p.Leu466Phe; replaces leucine 466 with phenylalanine.
Molecular consequence: missense variant.
Genome position (GRCh38, 1-based): chr5:137,887,284, C>T. VCF-style: chr5-137887284-C-T. GRCh37 (hg19) VCF-style: chr5-137222973-C-T.
Other names: c.844C>T, p.Leu282Phe (NM_001135940.2); c.1051C>T, p.Leu351Phe (NM_001300911.2); short protein forms L351F, L282F, L466F.
Identifiers: ClinVar variation 2829237 (VCV002829237.3), dbSNP rs2532026852, ClinGen allele CA361056837.
Genomic context (GRCh38, chr5:137,887,284, plus strand): 5'-CAAACTCTTCCAGCTCCTAAGCAGTTACGGGTTCGACCAACATTCAGCAAATATTTAGCA[C>T]TTAATGGGAAAGGTTTGAATGTAAAACAAGCTTTTAACCCAGAAGGAGAATTTCAGCGTT-3'
Protein context (NP_006781.1, residues 456-476): VRPTFSKYLA[Leu466Phe]NGKGLNVKQA